The following is an entry in ClinVar:

ClinVar aggregate classification (germline): Uncertain significance (1 of 4 stars; one submission).

gnomAD v4.1: 10 of 1,613,512 alleles (0.00062%); highest among the groups gnomAD compares: Middle Eastern, 0.016%; no homozygotes.

Submission:

Labcorp Genetics (formerly Invitae), Labcorp
Classification: Uncertain significance. Last evaluated: 2023-10-23. Review status: criteria provided, single submitter. Criteria: Invitae Variant Classification Sherloc (09022015). Collection method: clinical testing. Allele origin: germline.
Comment: This sequence change replaces proline, which is neutral and non-polar, with leucine, which is neutral and non-polar, at codon 595 of the REST protein (p.Pro595Leu). This variant is not present in population databases (gnomAD no frequency). This variant has not been reported in the literature in individuals affected with REST-related conditions. Algorithms developed to predict the effect of missense changes on protein structure and function output the following: SIFT: "Not Available"; PolyPhen-2: "Benign"; Align-GVGD: "Not Available". The leucine amino acid residue is found in multiple mammalian species, which suggests that this missense change does not adversely affect protein function. In summary, the available evidence is currently insufficient to determine the role of this variant in disease. Therefore, it has been classified as a Variant of Uncertain Significance.

NM_005612.5(REST):c.1784C>T (p.Pro595Leu)

Gene: REST (RE1 silencing transcription factor; plus strand). Cytogenetic location: 4q12.
Variant type: single nucleotide variant.
Coding change: c.1784C>T on transcript NM_005612.5 (MANE Select); coding-DNA position 1784, C replaced by T.
Protein change: p.Pro595Leu; replaces proline 595 with leucine.
Molecular consequence: missense variant.
Genome position (GRCh38, 1-based): chr4:56,930,642, C>T. VCF-style: chr4-56930642-C-T. GRCh37 (hg19) VCF-style: chr4-57796808-C-T.
Other names: c.1784C>T, p.Pro595Leu (NM_001193508.2, NM_001363453.3); short protein forms P595L.
Identifiers: ClinVar variation 2724554 (VCV002724554.3), dbSNP rs1008600489, ClinGen allele CA357007417.